The following is an entry in ClinVar:

NM_001292063.2(OTOG):c.459G>T (p.Gly153=)

Gene: OTOG (otogelin; plus strand). Cytogenetic location: 11p15.1.
Variant type: single nucleotide variant.
Coding change: c.459G>T on transcript NM_001292063.2 (MANE Select); coding-DNA position 459, G replaced by T.
Protein change: p.Gly153=; no amino-acid change (glycine 153 retained).
Molecular consequence: synonymous variant.
Genome position (GRCh38, 1-based): chr11:17,553,438, G>T. VCF-style: chr11-17553438-G-T. GRCh37 (hg19) VCF-style: chr11-17574985-G-T.
Other names: c.495G>T, p.Gly165= (NM_001277269.2).
Identifiers: ClinVar variation 505189 (VCV000505189.5), dbSNP rs1554967816, ClinGen allele CA473516768.

ClinVar aggregate classification (germline): Likely benign (1 of 4 stars; one submission).

Allele frequency attached by ClinVar (database versions not stated): gnomAD exomes 0.00001.
gnomAD v4.1: 9 of 1,474,844 alleles (0.00061%); highest among the groups gnomAD compares: Non-Finnish European, 0.00081%; no homozygotes.

Submission:

Laboratory for Molecular Medicine, Mass General Brigham Personalized Medicine
Classification: Likely benign. Last evaluated: 2017-09-04. Review status: criteria provided, single submitter. Criteria: LMM Criteria. Collection method: clinical testing. Allele origin: germline. Observed: 2 variant alleles.
Comment: p.Gly165Gly in exon 5 of OTOG: This variant is not expected to have clinical sig nificance because it does not alter an amino acid residue and is not located wit hin the splice consensus sequence.